The following is an entry in ClinVar:

ClinVar aggregate classification (germline): Uncertain significance (1 of 4 stars; one submission).

Conditions:
Majeed syndrome (MJDS). Also called: CHRONIC RECURRENT MULTIFOCAL OSTEOMYELITIS 1, WITH CONGENITAL DYSERYTHROPOIETIC ANEMIA, WITH OR WITHOUT NEUTROPHILIC DERMATOSIS; LPIN2-Related Majeed Syndrome. Identifiers: Orphanet 77297, MedGen C1864997, MONDO:0012316, OMIM 609628.

Allele frequency attached by ClinVar (database versions not stated): gnomAD exomes below 0.00001; ExAC 0.00001.
gnomAD v4.1: 3 of 1,614,058 alleles (0.00019%); highest among the groups gnomAD compares: Non-Finnish European, 0.00025%; no homozygotes.

Submission:

Labcorp Genetics (formerly Invitae), Labcorp
Classification: Uncertain significance for Majeed syndrome. Last evaluated: 2023-11-28. Review status: criteria provided, single submitter. Criteria: Invitae Variant Classification Sherloc (09022015). Collection method: clinical testing. Allele origin: germline.
Comment: This sequence change replaces arginine, which is basic and polar, with glutamine, which is neutral and polar, at codon 197 of the LPIN2 protein (p.Arg197Gln). This variant also falls at the last nucleotide of exon 4, which is part of the consensus splice site for this exon. This variant is present in population databases (rs753918449, gnomAD 0.0009%). This variant has not been reported in the literature in individuals affected with LPIN2-related conditions. ClinVar contains an entry for this variant (Variation ID: 1451092). An algorithm developed to predict the effect of missense changes on protein structure and function (PolyPhen-2) suggests that this variant is likely to be tolerated. Variants that disrupt the consensus splice site are a relatively common cause of aberrant splicing (PMID: 17576681, 9536098). Algorithms developed to predict the effect of sequence changes on RNA splicing suggest that this variant may disrupt the consensus splice site. In summary, the available evidence is currently insufficient to determine the role of this variant in disease. Therefore, it has been classified as a Variant of Uncertain Significance.

Literature cited by the submitters: PubMed 17576681; PubMed 9536098.

NM_001375808.2(LPIN2):c.590G>A (p.Arg197Gln)

Gene: LPIN2 (lipin 2; minus strand). Cytogenetic location: 18p11.31.
Variant type: single nucleotide variant.
Coding change: c.590G>A on transcript NM_001375808.2 (MANE Select); coding-DNA position 590, G replaced by A.
Protein change: p.Arg197Gln; replaces arginine 197 with glutamine.
Molecular consequence: missense variant.
Genome position (GRCh38, 1-based): chr18:2,951,055, C>T on the plus strand (G>A on the coding strand, the complement: LPIN2 is on the minus strand). VCF-style: chr18-2951055-C-T. GRCh37 (hg19) VCF-style: chr18-2951053-C-T.
Other names: c.590G>A, p.Arg197Gln (NM_001375809.1, NM_014646.2); short protein forms R197Q.
Identifiers: ClinVar variation 1451092 (VCV001451092.6), dbSNP rs753918449, ClinGen allele CA8873521.